The following is an entry in ClinVar:

ClinVar aggregate classification (germline): Pathogenic (1 of 4 stars; one submission).

Submission:

Labcorp Genetics (formerly Invitae), Labcorp
Classification: Pathogenic. Last evaluated: 2021-06-05. Review status: criteria provided, single submitter. Criteria: Invitae Variant Classification Sherloc (09022015). Collection method: clinical testing. Allele origin: germline.
Comment: This sequence change creates a premature translational stop signal (p.Arg2457Lysfs*7) in the VPS13A gene. It is expected to result in an absent or disrupted protein product. Loss-of-function variants in VPS13A are known to be pathogenic (PMID: 12404112, 21598378). This variant is not present in population databases (ExAC no frequency). This variant has not been reported in the literature in individuals with VPS13A-related conditions. For these reasons, this variant has been classified as Pathogenic.

Literature cited by the submitters: PubMed 12404112; PubMed 21598378.

NM_033305.3(VPS13A):c.7369dup (p.Arg2457fs)

Gene: VPS13A (vacuolar protein sorting 13 homolog A; plus strand). Cytogenetic location: 9q21.2.
Variant type: Duplication.
Coding change: c.7369dup on transcript NM_033305.3 (MANE Select); coding-DNA position 7369, one base duplicated (A; older notation c.7369dupA).
Protein change: p.Arg2457fs; shifts the reading frame from arginine 2457.
Molecular consequence: frameshift variant.
Genome position (GRCh38, 1-based): chr9:77,351,396, A duplicated; the last of 2 consecutive A bases (chr9:77,351,395-77,351,396); duplicating either gives the same sequence. VCF-style (leftmost placement, unchanged base first): chr9-77351394-G-GA. GRCh37 (hg19) VCF-style: chr9-79966310-G-GA.
Other names: c.7252dup, p.Arg2418fs (NM_001018037.2); c.7369dup, p.Arg2457fs (NM_001018038.3, NM_015186.4); short protein forms R2457fs, R2418fs.
Identifiers: ClinVar variation 1359084 (VCV001359084.6), dbSNP rs1831457676, ClinGen allele CA1857212599.